The following is an entry in ClinVar:

NM_004423.4(DVL3):c.2126G>T (p.Ser709Ile)

Gene: DVL3 (dishevelled segment polarity protein 3; plus strand). Cytogenetic location: 3q27.1.
Variant type: single nucleotide variant.
Coding change: c.2126G>T on transcript NM_004423.4 (MANE Select); coding-DNA position 2126, G replaced by T.
Protein change: p.Ser709Ile; replaces serine 709 with isoleucine.
Molecular consequence: missense variant.
Genome position (GRCh38, 1-based): chr3:184,170,730, G>T. VCF-style: chr3-184170730-G-T. GRCh37 (hg19) VCF-style: chr3-183888518-G-T.
Other names: short protein forms S709I.
Identifiers: ClinVar variation 2695661 (VCV002695661.3), dbSNP rs1714801314, ClinGen allele CA355416918.

ClinVar aggregate classification (germline): Uncertain significance (1 of 4 stars; one submission).

Submission:

Labcorp Genetics (formerly Invitae), Labcorp
Classification: Uncertain significance. Last evaluated: 2023-11-14. Review status: criteria provided, single submitter. Criteria: Invitae Variant Classification Sherloc (09022015). Collection method: clinical testing. Allele origin: germline.
Comment: This sequence change replaces serine, which is neutral and polar, with isoleucine, which is neutral and non-polar, at codon 709 of the DVL3 protein (p.Ser709Ile). This variant is not present in population databases (gnomAD no frequency). This variant has not been reported in the literature in individuals affected with DVL3-related conditions. Advanced modeling of protein sequence and biophysical properties (such as structural, functional, and spatial information, amino acid conservation, physicochemical variation, residue mobility, and thermodynamic stability) performed at Invitae indicates that this missense variant is not expected to disrupt DVL3 protein function with a negative predictive value of 80%. Algorithms developed to predict the effect of sequence changes on RNA splicing suggest that this variant may create or strengthen a splice site. In summary, the available evidence is currently insufficient to determine the role of this variant in disease. Therefore, it has been classified as a Variant of Uncertain Significance.